The following is an entry in ClinVar:

NM_144988.4(ALG14):c.263G>A (p.Arg88Gln)

Genes: ALG14-AS1 (ALG14 antisense RNA 1; plus strand), ALG14 (ALG14 UDP-N-acetylglucosaminyltransferase subunit; minus strand). Cytogenetic location: 1p21.3.
Variant type: single nucleotide variant.
Coding change: c.263G>A on transcript NM_144988.4 (MANE Select); coding-DNA position 263, G replaced by A.
Protein change: p.Arg88Gln; replaces arginine 88 with glutamine.
Molecular consequence: missense variant.
Genome position (GRCh38, 1-based): chr1:95,064,891, C>T on the plus strand (G>A on the coding strand, the complement: ALG14 is on the minus strand). VCF-style: chr1-95064891-C-T. GRCh37 (hg19) VCF-style: chr1-95530447-C-T.
Other names: c.263G>A (NM_144988.3); c.263G>A, p.Arg88Gln (NM_001305242.2); short protein forms R88Q.
Identifiers: ClinVar variation 2034246 (VCV002034246.2), dbSNP rs768365586, ClinGen allele CA961837.

ClinVar aggregate classification (germline): Uncertain significance. Review status: criteria provided, multiple submitters, no conflicts (2 of 4 stars). 2 submissions from 2 submitters: Uncertain significance (2). Last evaluated 2025-08-22.

Conditions:
Inborn genetic diseases. Identifiers: MedGen C0950123, MeSH D030342.
Congenital myasthenic syndrome 15. Also called: Myasthenic syndrome, congenital, 15, without tubular aggregates. Identifiers: Orphanet 353327, Orphanet 590, MedGen C4015596, MONDO:0014542, OMIM 616227.

Allele frequency attached by ClinVar (database versions not stated): ExAC 0.00001; gnomAD 0.00001; gnomAD exomes 0.00002.

Submissions (2):

Ambry Genetics
Classification: Uncertain significance for Inborn genetic diseases. Last evaluated: 2025-08-22. Review status: criteria provided, single submitter. Criteria: Ambry Variant Classification Scheme 2023. Collection method: clinical testing. Allele origin: germline.

Labcorp Genetics (formerly Invitae), Labcorp
Classification: Uncertain significance for Congenital myasthenic syndrome 15. Last evaluated: 2022-06-12. Review status: criteria provided, single submitter. Criteria: Invitae Variant Classification Sherloc (09022015). Collection method: clinical testing. Allele origin: germline.
Comment: This sequence change replaces arginine, which is basic and polar, with glutamine, which is neutral and polar, at codon 88 of the ALG14 protein (p.Arg88Gln). This variant is present in population databases (rs768365586, gnomAD 0.006%). This variant has not been reported in the literature in individuals affected with ALG14-related conditions. Algorithms developed to predict the effect of missense changes on protein structure and function output the following: SIFT: "Tolerated"; PolyPhen-2: "Benign"; Align-GVGD: "Class C0". The glutamine amino acid residue is found in multiple mammalian species, which suggests that this missense change does not adversely affect protein function. In summary, the available evidence is currently insufficient to determine the role of this variant in disease. Therefore, it has been classified as a Variant of Uncertain Significance.